The following is an entry in ClinVar:

ClinVar aggregate classification (germline): Uncertain significance (1 of 4 stars; one submission).

Submission:

Ambry Genetics
Classification: Uncertain significance. Last evaluated: 2023-03-14. Review status: criteria provided, single submitter. Criteria: Ambry Variant Classification Scheme 2023. Collection method: clinical testing. Allele origin: germline.
Comment: The p.D331E variant (also known as c.993C>A), located in coding exon 9 of the FAM175A gene, results from a C to A substitution at nucleotide position 993. The aspartic acid at codon 331 is replaced by glutamic acid, an amino acid with highly similar properties. This amino acid position is conserved. In addition, this alteration is predicted to be tolerated by in silico analysis. Since supporting evidence is limited at this time, the clinical significance of this alteration remains unclear.

NM_139076.3(ABRAXAS1):c.993C>A (p.Asp331Glu)

Gene: ABRAXAS1 (abraxas 1, BRCA1 A complex subunit; minus strand). Cytogenetic location: 4q21.23.
Variant type: single nucleotide variant.
Coding change: c.993C>A on transcript NM_139076.3 (MANE Select); coding-DNA position 993, C replaced by A.
Protein change: p.Asp331Glu; replaces aspartic acid 331 with glutamic acid.
Molecular consequence: missense variant.
Genome position (GRCh38, 1-based): chr4:83,462,706, G>T on the plus strand (C>A on the coding strand, the complement: ABRAXAS1 is on the minus strand). VCF-style: chr4-83462706-G-T. GRCh37 (hg19) VCF-style: chr4-84383859-G-T.
Other names: c.666C>A, p.Asp222Glu (NM_001345962.2); short protein forms D222E, D331E.
Identifiers: ClinVar variation 2449155 (VCV002449155.2), dbSNP rs2529418579, ClinGen allele CA357255585.